The following is an entry in ClinVar:

ClinVar aggregate classification (germline): Pathogenic (1 of 4 stars; one submission).

Conditions:
Gorlin syndrome. Also called: Nevoid Basal Cell Carcinoma Syndrome; Basal cell nevus syndrome. Identifiers: Orphanet 377, MedGen C0004779, MONDO:0007187.
Medulloblastoma (MDB). Also called: Medulloblastoma, somatic; MEDULLOBLASTOMA PREDISPOSITION SYNDROME. Identifiers: Orphanet 616, MedGen C0025149, MeSH D008527, MONDO:0007959, OMIM 155255, HP:0002885.

Submission:

Labcorp Genetics (formerly Invitae), Labcorp
Classification: Pathogenic for Gorlin syndrome; Medulloblastoma. Last evaluated: 2022-07-13. Review status: criteria provided, single submitter. Criteria: Invitae Variant Classification Sherloc (09022015). Collection method: clinical testing. Allele origin: germline.
Comment: For these reasons, this variant has been classified as Pathogenic. This variant has not been reported in the literature in individuals affected with SUFU-related conditions. This variant is a gross deletion of the genomic region encompassing exon(s) 3 of the SUFU gene. This deletion is out-of-frame, and is expected to create a premature termination codon and result in an absent or disrupted protein product. Loss-of-function variants in SUFU are known to be pathogenic (PMID: 22508808, 25403219).

Literature cited by the submitters: PubMed 22508808; PubMed 25403219.

NC_000010.11:g.(?_102549960)_(102550116_?)del

Gene: SUFU (SUFU negative regulator of hedgehog signaling; plus strand). Cytogenetic location: 10q24.32.
Variant type: Deletion.
Identifiers: ClinVar variation 664441 (VCV000664441.9).